The following is an entry in ClinVar:

ClinVar aggregate classification (germline): Uncertain significance. Review status: criteria provided, multiple submitters, no conflicts (2 of 4 stars). 2 submissions from 2 submitters: Uncertain significance (2). Last evaluated 2025-11-26.

Conditions:
Long QT syndrome (LQTS). Identifiers: MedGen C0023976, MeSH D008133, MONDO:0002442. Disease mechanism: loss of function. Inheritance: Various modes of inheritance.

Submissions (2):

Labcorp Genetics (formerly Invitae), Labcorp
Classification: Uncertain significance for Long QT syndrome. Last evaluated: 2025-11-26. Review status: criteria provided, single submitter. Criteria: Invitae Variant Classification Sherloc (09022015). Collection method: clinical testing. Allele origin: germline.
Comment: This sequence change replaces cysteine, which is neutral and slightly polar, with serine, which is neutral and polar, at codon 1903 of the CACNA1C protein (p.Cys1903Ser). This variant is not present in population databases (gnomAD no frequency). This variant has not been reported in the literature in individuals affected with CACNA1C-related conditions. ClinVar contains an entry for this variant (Variation ID: 3709969). Invitae Evidence Modeling of protein sequence and biophysical properties (such as structural, functional, and spatial information, amino acid conservation, physicochemical variation, residue mobility, and thermodynamic stability) indicates that this missense variant is not expected to disrupt CACNA1C protein function with a negative predictive value of 95%. In summary, the available evidence is currently insufficient to determine the role of this variant in disease. Therefore, it has been classified as a Variant of Uncertain Significance.

Blueprint Genetics
Classification: Uncertain significance. Last evaluated: 2023-10-18. Review status: criteria provided, single submitter. Criteria: ACMG Guidelines, 2015. Collection method: clinical testing. Allele origin: germline.

NM_000719.7(CACNA1C):c.5708G>C (p.Cys1903Ser)

Genes: CACNA1C (calcium voltage-gated channel subunit alpha1 C; plus strand), CACNA1C-AS1 (CACNA1C antisense RNA 1; minus strand). Cytogenetic location: 12p13.33.
Variant type: single nucleotide variant.
Coding change: c.5708G>C on transcript NM_000719.7 (MANE Select); coding-DNA position 5708, G replaced by C.
Protein change: p.Cys1903Ser; replaces cysteine 1903 with serine.
Molecular consequence: missense variant.
Genome position (GRCh38, 1-based): chr12:2,686,193, G>C. VCF-style: chr12-2686193-G-C. GRCh37 (hg19) VCF-style: chr12-2795359-G-C.
Other names: c.5852G>C, p.Cys1951Ser (NM_001129827.2); c.5831G>C, p.Cys1944Ser (NM_001129829.2); c.5813G>C, p.Cys1938Ser (NM_001129830.3, NM_001167624.3); c.5792G>C, p.Cys1931Ser (NM_001129831.2); c.5768G>C, p.Cys1923Ser (NM_001129832.2); c.5765G>C, p.Cys1922Ser (NM_001129833.2, NM_001129834.2, NM_001129835.2); c.5759G>C, p.Cys1920Ser (NM_001129836.2); c.5732G>C, p.Cys1911Ser (NM_001129837.2, NM_001129838.2); and 6 more; short protein forms C1911S, C1920S, C1892S, C1900S, C1909S, C1922S, C1931S, C1938S.
Identifiers: ClinVar variation 3709969 (VCV003709969.3).